The following is an entry in ClinVar:

NM_006662.3(SRCAP):c.5006C>T (p.Pro1669Leu)

Gene: SRCAP (Snf2 related CREBBP activator protein; plus strand). Cytogenetic location: 16p11.2.
Variant type: single nucleotide variant.
Coding change: c.5006C>T on transcript NM_006662.3 (MANE Select); coding-DNA position 5006, C replaced by T.
Protein change: p.Pro1669Leu; replaces proline 1669 with leucine.
Molecular consequence: missense variant.
Genome position (GRCh38, 1-based): chr16:30,724,430, C>T. VCF-style: chr16-30724430-C-T. GRCh37 (hg19) VCF-style: chr16-30735751-C-T.
Other names: short protein forms P1669L.
Identifiers: ClinVar variation 318884 (VCV000318884.21), dbSNP rs189892751, ClinGen allele CA8011876.
Genomic context (GRCh38, chr16:30,724,430, plus strand): 5'-CAGCTCCAACCCCTGTGTTGGCTCCATCATCAACTCAAACTATGCTACCAGCCCCGGTTC[C>T]GTCACCTCTCCCGAGCCCGGCTTCTACGCAGACACTGGCCCTAGCCCCAGCTTTAGCACC-3'
Protein context (NP_006653.2, residues 1659-1679): STQTMLPAPV[Pro1669Leu]SPLPSPASTQ

ClinVar aggregate classification (germline): Benign/Likely benign. Review status: criteria provided, multiple submitters, no conflicts (2 of 4 stars). 2 submissions from 2 submitters: Benign (1); Likely benign (1). Last evaluated 2026-01-22.

Allele frequency attached by ClinVar (database versions not stated): gnomAD exomes 0.00036 and 0.00170; gnomAD 0.00058 and 0.00084; TOPMed 0.00079; ExAC 0.00159; 1000 Genomes Project 30x 0.00437; 1000 Genomes Project 0.00479.
gnomAD v4.1: 694 of 1,614,224 alleles (0.043%); highest among the groups gnomAD compares: East Asian, 1.2%; 4 homozygotes.

Submissions (2):

Labcorp Genetics (formerly Invitae), Labcorp
Classification: Benign. Last evaluated: 2026-01-22. Review status: criteria provided, single submitter. Criteria: Invitae Variant Classification Sherloc (09022015). Collection method: clinical testing. Allele origin: germline.

CeGaT Center for Human Genetics Tuebingen
Classification: Likely benign. Last evaluated: 2025-05-01. Review status: criteria provided, single submitter. Criteria: CeGaT Center For Human Genetics Tuebingen Variant Classification Criteria Version 2. Collection method: clinical testing. Allele origin: germline. Affected: yes. Observed: 1 variant allele.
Comment: SRCAP: BS1